The following is an entry in ClinVar:

NM_000890.5(KCNJ5):c.*1091G>A

Gene: KCNJ5 (potassium inwardly rectifying channel subfamily J member 5; plus strand). Cytogenetic location: 11q24.3.
Variant type: single nucleotide variant.
Coding change: c.*1091G>A on transcript NM_000890.5 (MANE Select); 1091 bases downstream of the stop codon, G replaced by A.
Molecular consequence: 3 prime UTR variant.
Genome position (GRCh38, 1-based): chr11:128,917,822, G>A. VCF-style: chr11-128917822-G-A. GRCh37 (hg19) VCF-style: chr11-128787717-G-A.
Other names: c.*1091G>A (LRG_333t1, NM_001354169.2).
Identifiers: ClinVar variation 303661 (VCV000303661.7), dbSNP rs565178107, ClinGen allele CA10634166.

ClinVar aggregate classification (germline): Benign/Likely benign. Review status: criteria provided, multiple submitters, no conflicts (2 of 4 stars). 2 submissions from 2 submitters: Benign (1); Likely benign (1). Last evaluated 2021-09-27.

Conditions:
Familial hyperaldosteronism type III. Also called: FH III; Familial hyperaldosteronism type 3. Identifiers: Orphanet 251274, MedGen C3838758, MONDO:0013359, OMIM 613677.

Allele frequency attached by ClinVar (database versions not stated): gnomAD 0.00208 and 0.00218; gnomAD exomes 0.00333; 1000 Genomes Project 0.00080; 1000 Genomes Project 30x 0.00078; TOPMed 0.00092.

Submissions (2):

GeneDx
Classification: Likely benign. Last evaluated: 2021-09-27. Review status: criteria provided, single submitter. Criteria: GeneDx Variant Classification Process June 2021. Collection method: clinical testing. Allele origin: germline. Affected: yes.

Illumina Laboratory Services, Illumina
Classification: Benign for Familial hyperaldosteronism type III. Last evaluated: 2018-01-13. Review status: criteria provided, single submitter. Criteria: ICSL Variant Classification Criteria 13 December 2019. Collection method: clinical testing. Allele origin: germline.
Comment: This variant was observed in the ICSL laboratory as part of a predisposition screen in an ostensibly healthy population. It had not been previously curated by ICSL or reported in the Human Gene Mutation Database (HGMD: prior to June 1st, 2018), and was therefore a candidate for classification through an automated scoring system. Utilizing variant allele frequency, disease prevalence and penetrance estimates, and inheritance mode, an automated score was calculated to assess if this variant is too frequent to cause the disease. Based on the score and internal cut-off values, a variant classified as benign is not then subjected to further curation. The score for this variant resulted in a classification of benign for this disease.